The following is an entry in ClinVar:

ClinVar aggregate classification (germline): Uncertain significance (1 of 4 stars; one submission).

Allele frequency attached by ClinVar (database versions not stated): gnomAD exomes below 0.00001.
gnomAD v4.1: 4 of 1,614,106 alleles (0.00025%); highest among the groups gnomAD compares: African/African-American, 0.0027%; no homozygotes.

Submission:

Labcorp Genetics (formerly Invitae), Labcorp
Classification: Uncertain significance. Last evaluated: 2024-08-05. Review status: criteria provided, single submitter. Criteria: Invitae Variant Classification Sherloc (09022015). Collection method: clinical testing. Allele origin: germline.
Comment: This sequence change replaces asparagine, which is neutral and polar, with aspartic acid, which is acidic and polar, at codon 130 of the DTNBP1 protein (p.Asn130Asp). This variant is not present in population databases (gnomAD no frequency). This variant has not been reported in the literature in individuals affected with DTNBP1-related conditions. ClinVar contains an entry for this variant (Variation ID: 1989993). Advanced modeling of protein sequence and biophysical properties (such as structural, functional, and spatial information, amino acid conservation, physicochemical variation, residue mobility, and thermodynamic stability) performed at Invitae indicates that this missense variant is not expected to disrupt DTNBP1 protein function with a negative predictive value of 80%. In summary, the available evidence is currently insufficient to determine the role of this variant in disease. Therefore, it has been classified as a Variant of Uncertain Significance.

NM_032122.5(DTNBP1):c.388A>G (p.Asn130Asp)

Gene: DTNBP1 (dystrobrevin binding protein 1; minus strand). Cytogenetic location: 6p22.3.
Variant type: single nucleotide variant.
Coding change: c.388A>G on transcript NM_032122.5 (MANE Select); coding-DNA position 388, A replaced by G.
Protein change: p.Asn130Asp; replaces asparagine 130 with aspartic acid.
Molecular consequence: missense variant. On other transcripts: non-coding transcript variant (1).
Genome position (GRCh38, 1-based): chr6:15,615,367, T>C on the plus strand (A>G on the coding strand, the complement: DTNBP1 is on the minus strand). VCF-style: chr6-15615367-T-C. GRCh37 (hg19) VCF-style: chr6-15615598-T-C.
Other names: c.145A>G, p.Asn49Asp (NM_001271667.2, NM_183041.1); c.337A>G, p.Asn113Asp (NM_001271668.2); c.283A>G, p.Asn95Asp (NM_001271669.2); c.388A>G, p.Asn130Asp (NM_183040.2); short protein forms N49D, N130D, N95D, N113D.
Identifiers: ClinVar variation 1989993 (VCV001989993.3), dbSNP rs1758655213, ClinGen allele CA362800017.